The following is an entry in ClinVar:

NM_032856.5(WDR73):c.8C>T (p.Pro3Leu)

Gene: WDR73 (WD repeat domain 73; minus strand). Cytogenetic location: 15q25.2.
Variant type: single nucleotide variant.
Coding change: c.8C>T on transcript NM_032856.5 (MANE Select); coding-DNA position 8, C replaced by T.
Protein change: p.Pro3Leu; replaces proline 3 with leucine.
Molecular consequence: missense variant. On other transcripts: non-coding transcript variant (4).
Genome position (GRCh38, 1-based): chr15:84,654,267, G>A on the plus strand (C>T on the coding strand, the complement: WDR73 is on the minus strand). VCF-style: chr15-84654267-G-A. GRCh37 (hg19) VCF-style: chr15-85197498-G-A.
Other names: short protein forms P3L.
Identifiers: ClinVar variation 2156765 (VCV002156765.2), dbSNP rs368919799, ClinGen allele CA7707555.

ClinVar aggregate classification (germline): Uncertain significance. Review status: criteria provided, multiple submitters, no conflicts (2 of 4 stars). 2 submissions from 2 submitters: Uncertain significance (2). Last evaluated 2024-05-21.

Conditions:
Galloway-Mowat syndrome 1 (GAMOS1). Identifiers: Orphanet 2065, Orphanet 83472, MedGen C4551772, MONDO:0033005, OMIM 251300.

Allele frequency attached by ClinVar (database versions not stated): ExAC 0.00005; ESP Exome Variant Server 0.00008.
gnomAD v4.1: 55 of 1,613,848 alleles (0.0034%); highest among the groups gnomAD compares: Admixed American, 0.017%; no homozygotes.

Submissions (2):

Fulgent Genetics
Classification: Uncertain significance for Galloway-Mowat syndrome 1. Last evaluated: 2024-05-21. Review status: criteria provided, single submitter. Criteria: ACMG Guidelines, 2015. Collection method: clinical testing. Allele origin: germline.

Labcorp Genetics (formerly Invitae), Labcorp
Classification: Uncertain significance. Last evaluated: 2022-08-06. Review status: criteria provided, single submitter. Criteria: Invitae Variant Classification Sherloc (09022015). Collection method: clinical testing. Allele origin: germline.
Comment: This sequence change replaces proline, which is neutral and non-polar, with leucine, which is neutral and non-polar, at codon 3 of the WDR73 protein (p.Pro3Leu). This variant is present in population databases (rs368919799, gnomAD 0.02%). This variant has not been reported in the literature in individuals affected with WDR73-related conditions. Algorithms developed to predict the effect of missense changes on protein structure and function output the following: SIFT: "Tolerated"; PolyPhen-2: "Benign"; Align-GVGD: "Class C0". The leucine amino acid residue is found in multiple mammalian species, which suggests that this missense change does not adversely affect protein function. In summary, the available evidence is currently insufficient to determine the role of this variant in disease. Therefore, it has been classified as a Variant of Uncertain Significance.